The following is an entry in ClinVar:

ClinVar aggregate classification (germline): Uncertain significance (1 of 4 stars; one submission).

Conditions:
Intellectual developmental disorder, autosomal dominant 6, with or without seizures. Also called: GRIN2B-related developmental delay, intellectual disability and autism spectrum disorder; Intellectual disability, autosomal dominant 6. Identifiers: Orphanet 589547, MedGen C3151411, MONDO:0013509, OMIM 613970.
Developmental and epileptic encephalopathy, 27 (DEE27). Also called: Epileptic encephalopathy, early infantile, 27; GRIN2B-Related Neurodevelopmental Disorder. Identifiers: Orphanet 3451, MedGen C4015316, MONDO:0014505, OMIM 616139.

Submission:

Labcorp Genetics (formerly Invitae), Labcorp
Classification: Uncertain significance for Developmental and epileptic encephalopathy, 27; Intellectual developmental disorder, autosomal dominant 6, with or without seizures. Last evaluated: 2022-12-05. Review status: criteria provided, single submitter. Criteria: Invitae Variant Classification Sherloc (09022015). Collection method: clinical testing. Allele origin: germline.
Comment: In summary, the available evidence is currently insufficient to determine the role of this variant in disease. Therefore, it has been classified as a Variant of Uncertain Significance. Advanced modeling of protein sequence and biophysical properties (such as structural, functional, and spatial information, amino acid conservation, physicochemical variation, residue mobility, and thermodynamic stability) performed at Invitae indicates that this missense variant is not expected to disrupt GRIN2B protein function. This variant has not been reported in the literature in individuals affected with GRIN2B-related conditions. This variant is not present in population databases (gnomAD no frequency). This sequence change replaces serine, which is neutral and polar, with asparagine, which is neutral and polar, at codon 352 of the GRIN2B protein (p.Ser352Asn).

NM_000834.5(GRIN2B):c.1055G>A (p.Ser352Asn)

Gene: GRIN2B (glutamate ionotropic receptor NMDA type subunit 2B; minus strand). Cytogenetic location: 12p13.1.
Variant type: single nucleotide variant.
Coding change: c.1055G>A on transcript NM_000834.5 (MANE Select); coding-DNA position 1055, G replaced by A.
Protein change: p.Ser352Asn; replaces serine 352 with asparagine.
Molecular consequence: missense variant.
Genome position (GRCh38, 1-based): chr12:13,675,815, C>T on the plus strand (G>A on the coding strand, the complement: GRIN2B is on the minus strand). VCF-style: chr12-13675815-C-T. GRCh37 (hg19) VCF-style: chr12-13828749-C-T.
Other names: c.1055G>A, p.Ser352Asn (NM_001413992.1); short protein forms S352N.
Identifiers: ClinVar variation 2942003 (VCV002942003.3), dbSNP rs2497684723, ClinGen allele CA384050827.